The following is an entry in ClinVar:

NM_000540.3(RYR1):c.949A>G (p.Ile317Val)

Gene: RYR1 (ryanodine receptor 1; plus strand). Cytogenetic location: 19q13.2.
Variant type: single nucleotide variant.
Coding change: c.949A>G on transcript NM_000540.3 (MANE Select); coding-DNA position 949, A replaced by G.
Protein change: p.Ile317Val; replaces isoleucine 317 with valine.
Molecular consequence: missense variant.
Genome position (GRCh38, 1-based): chr19:38,448,503, A>G. VCF-style: chr19-38448503-A-G. GRCh37 (hg19) VCF-style: chr19-38939143-A-G.
Other names: c.949A>G, p.Ile317Val (NM_001042723.2); short protein forms I317V.
Identifiers: ClinVar variation 590631 (VCV000590631.11), dbSNP rs763765599, ClinGen allele CA073728.

ClinVar aggregate classification (germline): Uncertain significance. Review status: criteria provided, multiple submitters, no conflicts (2 of 4 stars). 4 submissions from 4 submitters: Uncertain significance (4). Last evaluated 2026-01-12.

Conditions:
RYR1-related disorder. Also called: RYR1-related disorders; RYR1-related condition. Identifiers: MedGen CN239331.
Malignant hyperthermia, susceptibility to, 1 (MHS1). Also called: Anesthesia related hyperthermia; Malignant hyperpyrexia; Fulminating hyperpyrexia; Pharmacogenic myopathy; RYR1-Related Malignant Hyperthermia Susceptibility; Malignant hyperthermia suceptibility 1. Identifiers: Orphanet 423, MedGen C2930980, MONDO:0007783, OMIM 145600.

Allele frequency attached by ClinVar (database versions not stated): gnomAD exomes below 0.00001 and 0.00004; ExAC 0.00001; TOPMed 0.00002.
gnomAD v4.1: 64 of 1,613,906 alleles (0.004%); highest among the groups gnomAD compares: Non-Finnish European, 0.0053%; no homozygotes.

Submissions (4):

Labcorp Genetics (formerly Invitae), Labcorp
Classification: Uncertain significance for RYR1-related disorder. Last evaluated: 2026-01-12. Review status: criteria provided, single submitter. Criteria: Invitae Variant Classification Sherloc (09022015). Collection method: clinical testing. Allele origin: germline.
Comment: This sequence change replaces isoleucine, which is neutral and non-polar, with valine, which is neutral and non-polar, at codon 317 of the RYR1 protein (p.Ile317Val). This variant is present in population databases (rs763765599, gnomAD 0.0009%). This variant has not been reported in the literature in individuals affected with RYR1-related conditions. ClinVar contains an entry for this variant (Variation ID: 590631). Invitae Evidence Modeling of protein sequence and biophysical properties (such as structural, functional, and spatial information, amino acid conservation, physicochemical variation, residue mobility, and thermodynamic stability) indicates that this missense variant is not expected to disrupt RYR1 protein function with a negative predictive value of 95%. In summary, the available evidence is currently insufficient to determine the role of this variant in disease. Therefore, it has been classified as a Variant of Uncertain Significance.

All of Us Research Program, National Institutes of Health
Classification: Uncertain significance for Malignant hyperthermia, susceptibility to, 1. Last evaluated: 2024-08-13. Review status: criteria provided, single submitter. Criteria: ACMG Guidelines, 2015. Collection method: clinical testing. Allele origin: germline. Inheritance: Autosomal dominant inheritance. Observed: 4 variant alleles, 4 heterozygotes.
Comment: This missense variant replaces isoleucine with valine at codon 317 of the RYR1 protein. Computational prediction suggests that this variant may not impact protein structure and function (internally defined REVEL score threshold <= 0.5, PMID: 27666373). To our knowledge, functional studies have not been reported for this variant. This variant has not been reported in individuals affected with RYR1-related disorders in the literature. This variant has been identified in 1/251208 chromosomes in the general population by the Genome Aggregation Database (gnomAD). The available evidence is insufficient to determine the role of this variant in disease conclusively. Therefore, this variant is classified as a Variant of Uncertain Significance.

This study involves interpretation of variants in research participants for the purpose of population health screening. Participant phenotype was not available at the time of variant classification. Additional details can be found in publication PMID: 35346344, PMCID: PMC8962531

Color Diagnostics, LLC DBA Color Health
Classification: Uncertain significance for Malignant hyperthermia, susceptibility to, 1. Last evaluated: 2024-07-23. Review status: criteria provided, single submitter. Criteria: ACMG Guidelines, 2015. Collection method: clinical testing. Allele origin: germline.
Comment: This missense variant replaces isoleucine with valine at codon 317 of the RYR1 protein. Computational prediction suggests that this variant may not impact protein structure and function. To our knowledge, functional studies have not been reported for this variant. This variant has not been reported in individuals affected with RYR1-related disorders in the literature. This variant has been identified in 1/251208 chromosomes in the general population by the Genome Aggregation Database (gnomAD). The available evidence is insufficient to determine the role of this variant in disease conclusively. Therefore, this variant is classified as a Variant of Uncertain Significance.

PreventionGenetics, part of Exact Sciences
Classification: Uncertain significance. Last evaluated: 2018-05-02. Review status: criteria provided, single submitter. Criteria: ACMG Guidelines, 2015. Collection method: clinical testing. Allele origin: germline.